The following is an entry in ClinVar:

NM_015443.4(KANSL1):c.2740G>A (p.Asp914Asn)

Gene: KANSL1 (KAT8 regulatory NSL complex subunit 1). Cytogenetic location: 17q21.31.
Variant type: single nucleotide variant.
Coding change: c.2740G>A on transcript NM_015443.4 (MANE Select); coding-DNA position 2740, G replaced by A.
Protein change: p.Asp914Asn; replaces aspartic acid 914 with asparagine.
Molecular consequence: missense variant.
Genome position (GRCh38, 1-based): chr17:46,033,177, C>T on the plus strand (G>A on the coding strand, the complement: KANSL1 is on the minus strand). VCF-style: chr17-46033177-C-T. GRCh37 (hg19) VCF-style: chr17-44110543-C-T.
Other names: c.2737G>A, p.Asp913Asn (NM_001193465.2, NM_001405856.1, NM_001405857.1 and 1 more transcripts); c.2740G>A, p.Asp914Asn (NM_001193466.2, NM_001379198.1, NM_001405854.1 and 4 more transcripts); c.2638G>A, p.Asp880Asn (NM_001405859.1, NM_001405860.1); c.2635G>A, p.Asp879Asn (NM_001405861.1, NM_001405881.1); c.1471G>A, p.Asp491Asn (NM_001405883.1); c.1285G>A, p.Asp429Asn (NM_001405884.1); c.1282G>A, p.Asp428Asn (NM_001405885.1); c.2551G>A, p.Asp851Asn (NM_001405875.1, NM_001405876.1, NM_001405877.1 and 1 more transcripts); and 2 more; short protein forms D428N, D851N, D879N, D880N, D492N, D850N, D429N, D914N.
Identifiers: ClinVar variation 3017796 (VCV003017796.4), dbSNP rs1200984517, ClinGen allele CA399987820.

ClinVar aggregate classification (germline): Uncertain significance. Review status: criteria provided, multiple submitters, no conflicts (2 of 4 stars). 2 submissions from 2 submitters: Uncertain significance (2). Last evaluated 2024-05-13.

Conditions:
Koolen-de Vries syndrome (KDVS). Identifiers: Orphanet 96169, MedGen C1864871, MONDO:0012496, OMIM 610443.

Allele frequency attached by ClinVar (database versions not stated): gnomAD exomes below 0.00001; gnomAD 0.00001; TOPMed 0.00001.
gnomAD v4.1: 8 of 1,600,286 alleles (0.0005%); highest among the groups gnomAD compares: African/African-American, 0.0013%; no homozygotes.

Submissions (2):

Fulgent Genetics
Classification: Uncertain significance for Koolen-de Vries syndrome. Last evaluated: 2024-05-13. Review status: criteria provided, single submitter. Criteria: ACMG Guidelines, 2015. Collection method: clinical testing. Allele origin: germline.

Labcorp Genetics (formerly Invitae), Labcorp
Classification: Uncertain significance for Koolen-de Vries syndrome. Last evaluated: 2023-01-22. Review status: criteria provided, single submitter. Criteria: Invitae Variant Classification Sherloc (09022015). Collection method: clinical testing. Allele origin: germline.
Comment: In summary, the available evidence is currently insufficient to determine the role of this variant in disease. Therefore, it has been classified as a Variant of Uncertain Significance. Advanced modeling of protein sequence and biophysical properties (such as structural, functional, and spatial information, amino acid conservation, physicochemical variation, residue mobility, and thermodynamic stability) performed at Invitae indicates that this missense variant is expected to disrupt KANSL1 protein function. This variant has not been reported in the literature in individuals affected with KANSL1-related conditions. This variant is not present in population databases (gnomAD no frequency). This sequence change replaces aspartic acid, which is acidic and polar, with asparagine, which is neutral and polar, at codon 914 of the KANSL1 protein (p.Asp914Asn).